The following is an entry in ClinVar:

NM_000868.4(HTR2C):c.1191G>C (p.Gln397His)

Genes: HTR2C (5-hydroxytryptamine receptor 2C; plus strand), LOC126863306 (MED14-independent group 3 enhancer GRCh37_chrX:114140926-114142125; plus strand). Cytogenetic location: Xq23.
Variant type: single nucleotide variant.
Coding change: c.1191G>C on transcript NM_000868.4 (MANE Select); coding-DNA position 1191, G replaced by C.
Protein change: p.Gln397His; replaces glutamine 397 with histidine.
Molecular consequence: missense variant. On other transcripts: 3 prime UTR variant (1).
Genome position (GRCh38, 1-based): chrX:114,907,229, G>C. VCF-style: chrX-114907229-G-C. GRCh37 (hg19) VCF-style: chrX-114141792-G-C.
Other names: c.1191G>C, p.Gln397His (NM_001256760.3); c.*349G>C (NM_001256761.3); c.1191G>C (NM_000868.3); short protein forms Q397H.
Identifiers: ClinVar variation 2315709 (VCV002315709.3), dbSNP rs1039799135, ClinGen allele CA334663453.

ClinVar aggregate classification (germline): Uncertain significance. Review status: criteria provided, single submitter (1 of 4 stars). 2 submissions from 2 submitters: Uncertain significance (1). 1 of the submissions does not count toward it. Last evaluated 2022-10-03.

Conditions:
HTR2C-related disorder. Also called: HTR2C-related condition.

Allele frequency attached by ClinVar (database versions not stated): gnomAD exomes 0.00001; gnomAD 0.00002; TOPMed 0.00002.
gnomAD v4.1: 11 of 1,209,769 alleles (0.00091%); highest among the groups gnomAD compares: African/African-American, 0.019%; no homozygotes.

Submissions (2):

Ambry Genetics
Classification: Uncertain significance. Last evaluated: 2022-10-03. Review status: criteria provided, single submitter. Criteria: Ambry Variant Classification Scheme 2023. Collection method: clinical testing. Allele origin: germline.

PreventionGenetics, part of Exact Sciences
Classification: Uncertain significance for HTR2C-related condition. Last evaluated: 2024-05-12. Review status: no assertion criteria provided. Collection method: clinical testing. Allele origin: germline. Not counted in ClinVar's aggregate classification.
Comment: The HTR2C c.1191G>C variant is predicted to result in the amino acid substitution p.Gln397His. To our knowledge, this variant has not been reported in the literature. This variant is reported in 0.030% of alleles in individuals of African descent in gnomAD. At this time, the clinical significance of this variant is uncertain due to the absence of conclusive functional and genetic evidence.